The following is an entry in ClinVar:

NM_003244.2(TGIF1):c.-2763C>T

Gene: TGIF1 (TGFB induced factor homeobox 1; plus strand). Cytogenetic location: 18p11.31.
Variant type: single nucleotide variant.
Coding change: c.-2763C>T on transcript NM_003244.2; 2763 bases upstream of the start codon, C replaced by T.
Molecular consequence: 5 prime UTR variant (on NM_173207.4). On other transcripts: intron variant (2).
Genome position (GRCh38, 1-based): chr18:3,447,727, C>T. VCF-style: chr18-3447727-C-T. GRCh37 (hg19) VCF-style: chr18-3447725-C-T.
Other names: c.-13C>T (NM_173207.4); c.-44-8627C>T (NM_174886.3, NM_001278686.3).
Identifiers: ClinVar variation 675019 (VCV000675019.5), dbSNP rs238137, ClinGen allele CA8875649.

ClinVar aggregate classification (germline): Benign/Likely benign. Review status: criteria provided, multiple submitters, no conflicts (2 of 4 stars). 3 submissions from 3 submitters: Benign (2); Likely benign (1). Last evaluated 2024-11-28.

Allele frequency attached by ClinVar (database versions not stated): gnomAD exomes 0.03771 and 0.04815; TOPMed 0.07092; 1000 Genomes Project 0.08367; ExAC 0.04813; gnomAD 0.06980 and 0.07186; 1000 Genomes Project 30x 0.08620; ESP Exome Variant Server 0.06874.
gnomAD v4.1: 66,162 of 1,613,918 alleles (4.1%); highest among the groups gnomAD compares: African/African-American, 14%; 1,956 homozygotes.

Submissions (3):

Blueprint Genetics
Classification: Likely benign. Last evaluated: 2024-11-28. Review status: criteria provided, single submitter. Criteria: ACMG Guidelines, 2015. Collection method: clinical testing. Allele origin: germline.

GeneDx
Classification: Benign. Last evaluated: 2018-06-19. Review status: criteria provided, single submitter. Criteria: GeneDx Variant Classification (06012015). Collection method: clinical testing. Allele origin: germline. Affected: yes.
Comment: This variant is considered likely benign or benign based on one or more of the following criteria: it is a conservative change, it occurs at a poorly conserved position in the protein, it is predicted to be benign by multiple in silico algorithms, and/or has population frequency not consistent with disease.

Breakthrough Genomics
Classification: Benign. Review status: criteria provided, single submitter. Criteria: ACMG Guidelines, 2015. Collection method: not provided. Allele origin: germline. Inheritance: Autosomal dominant inheritance. Affected: yes.